The following is an entry in ClinVar:

ClinVar aggregate classification (germline): Uncertain significance (1 of 4 stars; one submission).

Conditions:
Hereditary cancer-predisposing syndrome. Also called: Neoplastic Syndromes, Hereditary; Tumor predisposition; Hereditary Cancer Syndrome; Hereditary neoplastic syndrome. Identifiers: Orphanet 140162, MedGen C0027672, MeSH D009386, MONDO:0015356.

Submission:

Ambry Genetics
Classification: Uncertain significance for Hereditary cancer-predisposing syndrome. Last evaluated: 2025-10-13. Review status: criteria provided, single submitter. Criteria: Ambry Variant Classification Scheme 2023. Collection method: clinical testing. Allele origin: germline.
Comment: The p.V274L variant (also known as c.820G>C), located in coding exon 7 of the EPCAM gene, results from a G to C substitution at nucleotide position 820. The valine at codon 274 is replaced by leucine, an amino acid with highly similar properties. This amino acid position is conserved. In addition, the in silico prediction for this alteration is inconclusive. Based on the available evidence, the clinical significance of this variant remains unclear.

NM_002354.3(EPCAM):c.820G>C (p.Val274Leu)

Gene: EPCAM (epithelial cell adhesion molecule; plus strand). Cytogenetic location: 2p21.
Variant type: single nucleotide variant.
Coding change: c.820G>C on transcript NM_002354.3 (MANE Select); coding-DNA position 820, G replaced by C.
Protein change: p.Val274Leu; replaces valine 274 with leucine.
Molecular consequence: missense variant.
Genome position (GRCh38, 1-based): chr2:47,379,931, G>C. VCF-style: chr2-47379931-G-C. GRCh37 (hg19) VCF-style: chr2-47607070-G-C.
Other names: short protein forms V274L.
Identifiers: ClinVar variation 4640159 (VCV004640159.1).
Genomic context (GRCh38, chr2:47,379,931, plus strand): 5'-GAAAAAGCACCTGAATTCTCAATGCAGGGTCTAAAAGCTGGTGTTATTGCTGTTATTGTG[G>C]TTGTGGTGATAGCAGTTGTTGCTGGAATTGTTGTGCTGGTGAGTACAGAACAAGTAAAAT-3'
Protein context (NP_002345.2, residues 264-284): LKAGVIAVIV[Val274Leu]VVIAVVAGIV